The following is an entry in ClinVar:

NM_001040108.2(MLH3):c.1313C>G (p.Ala438Gly)

Gene: MLH3 (mutL homolog 3; minus strand). Cytogenetic location: 14q24.3.
Variant type: single nucleotide variant.
Coding change: c.1313C>G on transcript NM_001040108.2 (MANE Select); coding-DNA position 1313, C replaced by G.
Protein change: p.Ala438Gly; replaces alanine 438 with glycine.
Molecular consequence: missense variant.
Genome position (GRCh38, 1-based): chr14:75,048,343, G>C on the plus strand (C>G on the coding strand, the complement: MLH3 is on the minus strand). VCF-style: chr14-75048343-G-C. GRCh37 (hg19) VCF-style: chr14-75515046-G-C.
Other names: c.1313C>G, p.Ala438Gly (NM_014381.3); short protein forms A438G.
Identifiers: ClinVar variation 2625675 (VCV002625675.2), dbSNP rs1343282239, ClinGen allele CA390446495.

ClinVar aggregate classification (germline): Uncertain significance (1 of 4 stars; one submission).

gnomAD v4.1: 2 of 1,613,728 alleles (0.00012%); highest among the groups gnomAD compares: South Asian, 0.0011%; no homozygotes.

Submission:

Ambry Genetics
Classification: Uncertain significance. Last evaluated: 2023-09-11. Review status: criteria provided, single submitter. Criteria: Ambry Variant Classification Scheme 2023. Collection method: clinical testing. Allele origin: germline.
Comment: The p.A438G variant (also known as c.1313C>G), located in coding exon 1 of the MLH3 gene, results from a C to G substitution at nucleotide position 1313. The alanine at codon 438 is replaced by glycine, an amino acid with similar properties. This amino acid position is conserved. In addition, this alteration is predicted to be tolerated by in silico analysis. Since supporting evidence is limited at this time, the clinical significance of this alteration remains unclear.